The following is an entry in ClinVar:

ClinVar aggregate classification (germline): Uncertain significance (1 of 4 stars; one submission).

Allele frequency attached by ClinVar (database versions not stated): gnomAD exomes below 0.00001.

Submission:

Labcorp Genetics (formerly Invitae), Labcorp
Classification: Uncertain significance. Last evaluated: 2022-07-08. Review status: criteria provided, single submitter. Criteria: Invitae Variant Classification Sherloc (09022015). Collection method: clinical testing. Allele origin: germline.
Comment: This sequence change replaces glutamic acid, which is acidic and polar, with glycine, which is neutral and non-polar, at codon 125 of the DYM protein (p.Glu125Gly). This variant is not present in population databases (gnomAD no frequency). This variant has not been reported in the literature in individuals affected with DYM-related conditions. Algorithms developed to predict the effect of missense changes on protein structure and function are either unavailable or do not agree on the potential impact of this missense change (SIFT: "Deleterious"; PolyPhen-2: "Benign"; Align-GVGD: "Class C35"). In summary, the available evidence is currently insufficient to determine the role of this variant in disease. Therefore, it has been classified as a Variant of Uncertain Significance.

NM_001353214.3(DYM):c.374A>G (p.Glu125Gly)

Gene: DYM (dymeclin; minus strand). Cytogenetic location: 18q21.1.
Variant type: single nucleotide variant.
Coding change: c.374A>G on transcript NM_001353214.3 (MANE Select); coding-DNA position 374, A replaced by G.
Protein change: p.Glu125Gly; replaces glutamic acid 125 with glycine.
Molecular consequence: missense variant. On other transcripts: intron variant (5).
Genome position (GRCh38, 1-based): chr18:49,378,614, T>C on the plus strand (A>G on the coding strand, the complement: DYM is on the minus strand). VCF-style: chr18-49378614-T-C. GRCh37 (hg19) VCF-style: chr18-46904984-T-C.
Other names: c.374A>G, p.Glu125Gly (NM_001353210.3, NM_001353213.3, NM_001353215.3 and 12 more transcripts); c.371A>G, p.Glu124Gly (NM_001353211.3, NM_001353212.3, NM_001374429.1 and 1 more transcripts); c.193+12979A>G (NM_001374443.1, NM_001374444.1, NM_001374442.1 and 2 more transcripts); short protein forms E124G, E125G.
Identifiers: ClinVar variation 1902373 (VCV001902373.5), dbSNP rs1902361367, ClinGen allele CA402413007.